The following is an entry in ClinVar:

ClinVar aggregate classification (germline): Uncertain significance (1 of 4 stars; one submission).

Submission:

Labcorp Genetics (formerly Invitae), Labcorp
Classification: Uncertain significance. Last evaluated: 2025-12-22. Review status: criteria provided, single submitter. Criteria: Invitae Variant Classification Sherloc (09022015). Collection method: clinical testing. Allele origin: germline.
Comment: This sequence change replaces aspartic acid, which is acidic and polar, with isoleucine, which is neutral and non-polar, at codon 2290 of the CENPF protein (p.Asp2290Ile). This variant is present in population databases (no rsID available, gnomAD 0.001%). This variant has not been reported in the literature in individuals affected with CENPF-related conditions. An algorithm developed to predict the effect of missense changes on protein structure and function (PolyPhen-2) suggests that this variant is likely to be disruptive. In summary, the available evidence is currently insufficient to determine the role of this variant in disease. Therefore, it has been classified as a Variant of Uncertain Significance.

NM_016343.4(CENPF):c.6868_6869delinsAT (p.Asp2290Ile)

Gene: CENPF (centromere protein F; plus strand). Cytogenetic location: 1q41.
Variant type: Indel.
Coding change: c.6868_6869delinsAT on transcript NM_016343.4 (MANE Select); coding-DNA positions 6868 to 6869, GA replaced by AT.
Protein change: p.Asp2290Ile; replaces aspartic acid 2290 with isoleucine.
Molecular consequence: missense variant.
Genome position (GRCh38, 1-based): chr1:214,646,438-214,646,439, GA replaced by AT. VCF-style: chr1-214646438-GA-AT. GRCh37 (hg19) VCF-style: chr1-214819781-GA-AT.
Other names: short protein forms D2290I.
Identifiers: ClinVar variation 4707564 (VCV004707564.1).
Genomic context (GRCh38, chr1:214,646,438, plus strand): 5'-GAGGCAGTAGCAGCCTTGTGTGGTGACCAAGAAATTATGAAGGCCACAGAACAGAGTCTA[GA>AT]CCCACCAATAGAGGAAGAGCATCAGCTGAGAAATAGCATTGAAAAGCTGAGAGCCCGCCT-3'
Protein context (NP_057427.3, residues 2280-2300): EIMKATEQSL[Asp2290Ile]PPIEEEHQLR